The following is an entry in ClinVar:

NM_001267550.2(TTN):c.29382A>G (p.Gln9794=)

Gene: TTN (titin; minus strand). Cytogenetic location: 2q31.2.
Variant type: single nucleotide variant.
Coding change: c.29382A>G on transcript NM_001267550.2 (MANE Select); coding-DNA position 29382, A replaced by G.
Protein change: p.Gln9794=; no amino-acid change (glutamine 9794 retained).
Molecular consequence: synonymous variant. On other transcripts: intron variant (3).
Genome position (GRCh38, 1-based): chr2:178,706,492, T>C on the plus strand (A>G on the coding strand, the complement: TTN is on the minus strand). VCF-style: chr2-178706492-T-C. GRCh37 (hg19) VCF-style: chr2-179571219-T-C.
Other names: c.28431A>G, p.Gln9477= (NM_001256850.1); c.25650A>G, p.Gln8550= (NM_133378.4); c.13282+31590A>G (NM_003319.4); c.13858+31590A>G (NM_133437.4); c.13657+31590A>G (NM_133432.3).
Identifiers: ClinVar variation 388784 (VCV000388784.4), dbSNP rs1057523227, ClinGen allele CA16604033.
Genomic context (GRCh38, chr2:178,706,492, plus strand): 5'-TTGTGGTTTTTATTGAACTCACTTTTTCAGCATTGCTCTAAGATCGCCTTCAATTTTCTC[T>C]TGTTTCTTCCTTTCATCCACCTGTAAGTTAACATTACTTTCAATTTCACCATGTTCGTTA-3'
Protein context (NP_001254479.2, residues 9784-9804): VNLQVDERKK[Gln9794=]EKIEGDLRAM

ClinVar aggregate classification (germline): Likely benign. Review status: criteria provided, multiple submitters, no conflicts (2 of 4 stars). 2 submissions from 2 submitters: Likely benign (2). Last evaluated 2023-06-21.

Conditions:
Dilated cardiomyopathy 1G (CMD1G). Identifiers: Orphanet 154, MedGen C1858763, MONDO:0011400, OMIM 604145.
Autosomal recessive limb-girdle muscular dystrophy type 2J (LGMDR10). Also called: MUSCULAR DYSTROPHY, LIMB-GIRDLE, AUTOSOMAL RECESSIVE 10; Limb-girdle muscular dystrophy, type 2J. Identifiers: Orphanet 140922, MedGen C1837342, MONDO:0012127, OMIM 608807.

Allele frequency attached by ClinVar (database versions not stated): gnomAD exomes below 0.00001.
gnomAD v4.1: 1 of 1,613,730 alleles (0.000062%); highest among the groups gnomAD compares: East Asian, 0.0022%; no homozygotes.

Submissions (2):

Labcorp Genetics (formerly Invitae), Labcorp
Classification: Likely benign for Dilated cardiomyopathy 1G; Autosomal recessive limb-girdle muscular dystrophy type 2J. Last evaluated: 2023-06-21. Review status: criteria provided, single submitter. Criteria: Invitae Variant Classification Sherloc (09022015). Collection method: clinical testing. Allele origin: germline.

GeneDx
Classification: Likely benign. Last evaluated: 2016-08-18. Review status: criteria provided, single submitter. Criteria: GeneDx Variant Classification (06012015). Collection method: clinical testing. Allele origin: germline. Affected: yes.
Comment: This variant is considered likely benign or benign based on one or more of the following criteria: it is a conservative change, it occurs at a poorly conserved position in the protein, it is predicted to be benign by multiple in silico algorithms, and/or has population frequency not consistent with disease.